The following is an entry in ClinVar:

ClinVar aggregate classification (germline): Uncertain significance. Review status: criteria provided, multiple submitters, no conflicts (2 of 4 stars). 2 submissions from 2 submitters: Uncertain significance (2). Last evaluated 2023-11-02.

Conditions:
Hereditary cancer-predisposing syndrome. Also called: Hereditary Cancer Syndrome; Hereditary neoplastic syndrome; Neoplastic Syndromes, Hereditary; Tumor predisposition. Identifiers: Orphanet 140162, MedGen C0027672, MeSH D009386, MONDO:0015356.
Isolated focal cortical dysplasia type II (FCORD2). Also called: CORTICAL DYSPLASIA OF TAYLOR; Focal cortical dysplasia type II. Identifiers: Orphanet 268994, MedGen C1846385, MONDO:0011818, OMIM 607341, HP:0032051.

Submissions (2):

Baylor Genetics
Classification: Uncertain significance for Isolated focal cortical dysplasia type II. Last evaluated: 2023-11-02. Review status: criteria provided, single submitter. Criteria: ACMG Guidelines, 2015. Collection method: clinical testing. Allele origin: unknown.

Ambry Genetics
Classification: Uncertain significance for Hereditary cancer-predisposing syndrome. Last evaluated: 2020-08-17. Review status: criteria provided, single submitter. Criteria: Ambry Variant Classification Scheme 2023. Collection method: clinical testing. Allele origin: germline.
Comment: The p.S1427N variant (also known as c.4280G>A), located in coding exon 33 of the TSC2 gene, results from a G to A substitution at nucleotide position 4280. The serine at codon 1427 is replaced by asparagine, an amino acid with highly similar properties. This amino acid position is poorly conserved in available vertebrate species. In addition, the in silico prediction for this alteration is inconclusive. Since supporting evidence is limited at this time, the clinical significance of this alteration remains unclear.

NM_000548.5(TSC2):c.4280G>A (p.Ser1427Asn)

Gene: TSC2 (TSC complex subunit 2; plus strand). Cytogenetic location: 16p13.3.
Variant type: single nucleotide variant.
Coding change: c.4280G>A on transcript NM_000548.5 (MANE Select); coding-DNA position 4280, G replaced by A.
Protein change: p.Ser1427Asn; replaces serine 1427 with asparagine.
Molecular consequence: missense variant.
Genome position (GRCh38, 1-based): chr16:2,084,502, G>A. VCF-style: chr16-2084502-G-A. GRCh37 (hg19) VCF-style: chr16-2134503-G-A.
Other names: c.4079G>A, p.Ser1360Asn (NM_001077183.3); c.4211G>A, p.Ser1404Asn (NM_001114382.3); c.3971G>A, p.Ser1324Asn (NM_001318827.2); c.3935G>A, p.Ser1312Asn (NM_001318829.2); c.3548G>A, p.Ser1183Asn (NM_001318831.2); c.4112G>A, p.Ser1371Asn (NM_001318832.2); c.4082G>A, p.Ser1361Asn (NM_001363528.2); c.4148G>A, p.Ser1383Asn (NM_001370404.1); and 26 more; short protein forms S1183N, S1160N, S1355N, S1357N, S1371N, S1383N, S1426N, S1312N.
Identifiers: ClinVar variation 1739347 (VCV001739347.3), dbSNP rs397515250, ClinGen allele CA394300839.